The following is an entry in ClinVar:

NM_017760.7(NCAPG2):c.1088C>T (p.Pro363Leu)

Gene: NCAPG2 (non-SMC condensin II complex subunit G2; minus strand). Cytogenetic location: 7q36.3.
Variant type: single nucleotide variant.
Coding change: c.1088C>T on transcript NM_017760.7 (MANE Select); coding-DNA position 1088, C replaced by T.
Protein change: p.Pro363Leu; replaces proline 363 with leucine.
Molecular consequence: missense variant. On other transcripts: non-coding transcript variant (1).
Genome position (GRCh38, 1-based): chr7:158,680,018, G>A on the plus strand (C>T on the coding strand, the complement: NCAPG2 is on the minus strand). VCF-style: chr7-158680018-G-A. GRCh37 (hg19) VCF-style: chr7-158472710-G-A.
Other names: c.1088C>T, p.Pro363Leu (NM_001281932.2, NM_001281933.2); short protein forms P363L.
Identifiers: ClinVar variation 2501227 (VCV002501227.1), dbSNP rs771439304, ClinGen allele CA4592923.

ClinVar aggregate classification (germline): Uncertain significance (1 of 4 stars; one submission).

Allele frequency attached by ClinVar (database versions not stated): ExAC 0.00001; gnomAD exomes 0.00001.
gnomAD v4.1: 18 of 1,614,040 alleles (0.0011%); highest among the groups gnomAD compares: Non-Finnish European, 0.0014%; 1 homozygote.

Submission:

Women's Health and Genetics/Laboratory Corporation of America, LabCorp
Classification: Uncertain significance. Last evaluated: 2023-03-29. Review status: criteria provided, single submitter. Criteria: LabCorp Variant Classification Summary - May 2015. Collection method: clinical testing. Allele origin: germline.
Comment: Variant summary: NCAPG2 c.1088C>T (p.Pro363Leu) results in a non-conservative amino acid change in the encoded protein sequence. Four of five in-silico tools predict a damaging effect of the variant on protein function. The variant allele was found at a frequency of 4e-06 in 249530 control chromosomes (gnomAD). The available data on variant occurrences in the general population are insufficient to allow any conclusion about variant significance. To our knowledge, no occurrence of c.1088C>T in individuals affected with Khan Khan Katsanis Syndrome and no experimental evidence demonstrating its impact on protein function have been reported. No clinical diagnostic laboratories have submitted clinical-significance assessments for this variant to ClinVar after 2014. Based on the evidence outlined above, the variant was classified as uncertain significance.